The following is an entry in ClinVar:

ClinVar aggregate classification (germline): Conflicting classifications of pathogenicity. Review status: criteria provided, conflicting classifications (1 of 4 stars). 10 submissions from 10 submitters: Uncertain significance (7); Likely benign (3). Last evaluated 2025-11-25.

Conditions:
TTN-related disorder. Also called: TTN-related disorders; TTN-related condition; TTN-related disease.
Autosomal recessive limb-girdle muscular dystrophy type 2J (LGMDR10). Also called: Limb-girdle muscular dystrophy, type 2J; MUSCULAR DYSTROPHY, LIMB-GIRDLE, AUTOSOMAL RECESSIVE 10. Identifiers: Orphanet 140922, MedGen C1837342, MONDO:0012127, OMIM 608807.
Dilated cardiomyopathy 1G (CMD1G). Identifiers: Orphanet 154, MedGen C1858763, MONDO:0011400, OMIM 604145.
Cardiovascular phenotype. Identifiers: MedGen CN230736.
Early-onset myopathy with fatal cardiomyopathy (CMYO5). Also called: Salih Myopathy; CONGENITAL MYOPATHY 5 WITH CARDIOMYOPATHY. Identifiers: Orphanet 289377, MedGen C2673677, MONDO:0012714, OMIM 611705. Disease mechanism: loss of function.
Hypertrophic cardiomyopathy 9. Also called: Familial hypertrophic cardiomyopathy 9. Identifiers: MedGen C1861065, MONDO:0013412, OMIM 613765.
Myopathy, myofibrillar, 9, with early respiratory failure (MFM9). Also called: Hereditary myopathy with early respiratory failure; MYOPATHY, PROXIMAL, WITH EARLY RESPIRATORY MUSCLE INVOLVEMENT; EDSTROM MYOPATHY; Myopathy, distal, with early respiratory failure, autosomal dominant. Identifiers: Orphanet 178464, Orphanet 34521, MedGen C1863599, MONDO:0011362, OMIM 603689.
Tibial muscular dystrophy (TMD). Also called: UDD MYOPATHY; Tibial muscular dystrophy, tardive; Udd Distal Myopathy – Tibial Muscular Dystrophy. Identifiers: Orphanet 609, MedGen C1838244, MONDO:0010870, OMIM 600334.

Allele frequency attached by ClinVar (database versions not stated): ExAC 0.00005; gnomAD 0.00022 and 0.00023; 1000 Genomes Project 0.00040; 1000 Genomes Project 30x 0.00047; TOPMed 0.00052.
gnomAD v4.1: 73 of 1,613,584 alleles (0.0045%); highest among the groups gnomAD compares: Admixed American, 0.07%; no homozygotes.

Submissions (10):

PreventionGenetics, part of Exact Sciences
Classification: Uncertain significance for TTN-related condition. Last evaluated: 2025-11-25. Review status: criteria provided, single submitter. Criteria: ACMG Guidelines, 2015. Collection method: clinical testing. Allele origin: germline.
Comment: The TTN c.87448A>T variant is predicted to result in the amino acid substitution p.Ile29150Leu. To our knowledge, this variant has not been reported in the literature. This variant is reported in 0.011% of alleles in individuals of Latino descent in gnomAD. At this time, the clinical significance of this variant is uncertain due to the absence of conclusive functional and genetic evidence.

ARUP Laboratories, Molecular Genetics and Genomics, ARUP Laboratories
Classification: Uncertain significance. Last evaluated: 2025-04-08. Review status: criteria provided, single submitter. Criteria: ARUP Molecular Germline Variant Investigation Process 2024. Collection method: clinical testing. Allele origin: germline.
Comment: The TTN c.87448A>T; p.Ile29150Leu variant (rs189030321; ClinVar Variation ID: 405178) is rare in the general population (<0.2% allele frequency in the Genome Aggregation Database) and has not been reported in the medical literature in association with dilated cardiomyopathy (DCM) or other TTN-related disease. The clinical relevance of rare missense variants in this gene, which are identified on average once per individual sequenced in affected populations (Herman 2012), is not well understood. Yet, evidence suggests that the vast majority of such missense variants do not contribute to the clinical outcome of DCM (Begay 2015). Thus, the clinical significance of the p.Ile29150Leu variant cannot be determined with certainty. References: Begay RL et al. Role of Titin Missense Variants in Dilated Cardiomyopathy. J Am Heart Assoc. 2015 Nov 13;4(11). PMID: 26567375. Herman DS et al. Truncations of titin causing dilated cardiomyopathy. N Engl J Med. 2012 Feb 16;366(7):619-28. PMID: 22335739. Linke WA and Hamdani N. Gigantic business: titin properties and function through thick and thin. Circ Res 2014; 114(6): 1052-1068. PMID: 24625729.

Blueprint Genetics
Classification: Likely benign. Last evaluated: 2023-02-28. Review status: criteria provided, single submitter. Criteria: ACMG Guidelines, 2015. Collection method: clinical testing. Allele origin: germline.

Women's Health and Genetics/Laboratory Corporation of America, LabCorp
Classification: Likely benign. Last evaluated: 2021-11-01. Review status: criteria provided, single submitter. Criteria: LabCorp Variant Classification Summary - May 2015. Collection method: clinical testing. Allele origin: germline.
Comment: Variant summary: TTN c.79744A>T (p.Ile26582Leu) results in a conservative amino acid change located in the A-band region of the encoded protein sequence. Four of five in-silico tools predict a benign effect of the variant on protein function. The variant allele was found at a frequency of 0.00025 in 150984 control chromosomes, predominantly at a frequency of 0.002 within the Latino subpopulation in the gnomAD database (gnomAD v3.1, genomes dataset). The observed variant frequency within Latino control individuals in the gnomAD database is approximately 5-fold of the estimated maximal expected allele frequency for a pathogenic variant in TTN causing Dilated Cardiomyopathy phenotype (0.00039), strongly suggesting that the variant is a benign polymorphism found primarily in populations of Latino origin. To our knowledge, no occurrence of c.79744A>T in individuals affected with Dilated Cardiomyopathy and no experimental evidence demonstrating its impact on protein function have been reported. Six clinical diagnostic laboratories have submitted clinical-significance assessments for this variant to ClinVar after 2014 without evidence for independent evaluation, and classified the variant as VUS (n=5) or likely benign (n=1). Based on the evidence outlined above, the variant was classified as likely benign.

GeneDx
Classification: Likely benign. Last evaluated: 2021-07-27. Review status: criteria provided, single submitter. Criteria: GeneDx Variant Classification Process June 2021. Collection method: clinical testing. Allele origin: germline. Affected: yes.

Revvity Omics, Revvity
Classification: Uncertain significance. Last evaluated: 2020-11-07. Review status: criteria provided, single submitter. Criteria: ACMG Guidelines, 2015. Collection method: clinical testing. Allele origin: germline.

Ambry Genetics
Classification: Uncertain significance for Cardiovascular phenotype. Last evaluated: 2020-03-04. Review status: criteria provided, single submitter. Criteria: Ambry Variant Classification Scheme 2023. Collection method: clinical testing. Allele origin: germline.
Comment: The p.I20085L variant (also known as c.60253A>T), located in coding exon 155 of the TTN gene, results from an A to T substitution at nucleotide position 60253. The isoleucine at codon 20085 is replaced by leucine, an amino acid with highly similar properties. This amino acid position is not well conserved in available vertebrate species. In addition, this alteration is predicted to be tolerated by in silico analysis. Since supporting evidence is limited at this time, the clinical significance of this alteration remains unclear.

Fulgent Genetics
Classification: Uncertain significance for Tibial muscular dystrophy; Myopathy, myofibrillar, 9, with early respiratory failure; Dilated cardiomyopathy 1G; Autosomal recessive limb-girdle muscular dystrophy type 2J; Early-onset myopathy with fatal cardiomyopathy; Hypertrophic cardiomyopathy 9. Last evaluated: 2018-10-31. Review status: criteria provided, single submitter. Criteria: ACMG Guidelines, 2015. Collection method: clinical testing. Allele origin: unknown.

Eurofins Ntd Llc (ga)
Classification: Uncertain significance. Last evaluated: 2018-06-28. Review status: criteria provided, single submitter. Criteria: EGL ClinVar v180209 classification definitions. Collection method: clinical testing. Allele origin: germline. Observed: 4 variant alleles, 4 heterozygotes.

Labcorp Genetics (formerly Invitae), Labcorp
Classification: Uncertain significance for Dilated cardiomyopathy 1G; Autosomal recessive limb-girdle muscular dystrophy type 2J. Last evaluated: 2016-05-12. Review status: criteria provided, single submitter. Criteria: Invitae Variant Classification Sherloc (09022015). Collection method: clinical testing. Allele origin: germline.

NM_001267550.2(TTN):c.87448A>T (p.Ile29150Leu)

Genes: TTN (titin; minus strand), TTN-AS1 (TTN antisense RNA 1; plus strand). Cytogenetic location: 2q31.2.
Variant type: single nucleotide variant.
Coding change: c.87448A>T on transcript NM_001267550.2 (MANE Select); coding-DNA position 87448, A replaced by T.
Protein change: p.Ile29150Leu; replaces isoleucine 29150 with leucine.
Molecular consequence: missense variant.
Genome position (GRCh38, 1-based): chr2:178,557,906, T>A on the plus strand (A>T on the coding strand, the complement: TTN is on the minus strand). VCF-style: chr2-178557906-T-A. GRCh37 (hg19) VCF-style: chr2-179422633-T-A.
Other names: c.82525A>T, p.Ile27509Leu (NM_001256850.1); c.60253A>T, p.Ile20085Leu (NM_003319.4); c.79744A>T, p.Ile26582Leu (NM_133378.4); c.60628A>T, p.Ile20210Leu (NM_133432.3); c.60829A>T, p.Ile20277Leu (NM_133437.4); short protein forms I29150L, I20085L, I26582L, I20210L, I27509L, I20277L.
Identifiers: ClinVar variation 405178 (VCV000405178.28), dbSNP rs189030321, ClinGen allele CA1988318.